The following is an entry in ClinVar:

NM_145861.4(EDARADD):c.101G>A (p.Ser34Asn)

Gene: EDARADD (EDAR associated via death domain; plus strand). Cytogenetic location: 1q43.
Variant type: single nucleotide variant.
Coding change: c.101G>A on transcript NM_145861.4 (MANE Select); coding-DNA position 101, G replaced by A.
Protein change: p.Ser34Asn; replaces serine 34 with asparagine.
Molecular consequence: missense variant.
Genome position (GRCh38, 1-based): chr1:236,409,255, G>A. VCF-style: chr1-236409255-G-A. GRCh37 (hg19) VCF-style: chr1-236572555-G-A.
Other names: c.35G>A, p.Ser12Asn (NM_001422628.1); c.71G>A, p.Ser24Asn (NM_080738.5); short protein forms S24N, S34N, S12N.
Identifiers: ClinVar variation 2161136 (VCV002161136.4), dbSNP rs374625285, ClinGen allele CA345653415.
Genomic context (GRCh38, chr1:236,409,255, plus strand): 5'-TTGTTTTTGTTCTTTTTACAGATCATATGGTAAAGGAACCAGTGGAAGACACAGACCCTA[G>A]CACTTTATCCTTTAATATGGTAGGTGACAAATTTTACACTAATGGTGATAATTATTGTTT-3'
Protein context (NP_665860.2, residues 24-44): VKEPVEDTDP[Ser34Asn]TLSFNMSDKY

ClinVar aggregate classification (germline): Uncertain significance (1 of 4 stars; one submission).

Conditions:
Ectodermal dysplasia 11A, hypohidrotic/hair/tooth type, autosomal dominant. Identifiers: Orphanet 1810, Orphanet 238468, MedGen C3541517, MONDO:0013982, OMIM 614940.
Ectodermal dysplasia 11B, hypohidrotic/hair/tooth type, autosomal recessive. Identifiers: Orphanet 238468, Orphanet 248, MedGen C3539920, MONDO:0013983, OMIM 614941.

Allele frequency attached by ClinVar (database versions not stated): gnomAD exomes 0.00001; TOPMed 0.00001; gnomAD 0.00003.
gnomAD v4.1: 8 of 1,612,906 alleles (0.0005%); highest among the groups gnomAD compares: South Asian, 0.0011%; no homozygotes.

Submission:

Labcorp Genetics (formerly Invitae), Labcorp
Classification: Uncertain significance for Ectodermal dysplasia 11B, hypohidrotic/hair/tooth type, autosomal recessive; Ectodermal dysplasia 11A, hypohidrotic/hair/tooth type, autosomal dominant. Last evaluated: 2022-08-08. Review status: criteria provided, single submitter. Criteria: Invitae Variant Classification Sherloc (09022015). Collection method: clinical testing. Allele origin: germline.
Comment: This sequence change replaces serine, which is neutral and polar, with asparagine, which is neutral and polar, at codon 34 of the EDARADD protein (p.Ser34Asn). In summary, the available evidence is currently insufficient to determine the role of this variant in disease. Therefore, it has been classified as a Variant of Uncertain Significance. Algorithms developed to predict the effect of missense changes on protein structure and function are either unavailable or do not agree on the potential impact of this missense change (SIFT: "Deleterious"; PolyPhen-2: "Probably Damaging"; Align-GVGD: "Class C0"). This variant has not been reported in the literature in individuals affected with EDARADD-related conditions. This variant is present in population databases (no rsID available, gnomAD 0.007%).